The following is an entry in ClinVar:

ClinVar aggregate classification (germline): Conflicting classifications of pathogenicity. Review status: criteria provided, conflicting classifications (1 of 4 stars). 2 submissions from 2 submitters: Uncertain significance (1); Likely benign (1). Last evaluated 2023-12-05.

Conditions:
Hereditary cancer-predisposing syndrome. Also called: Neoplastic Syndromes, Hereditary; Tumor predisposition; Hereditary Cancer Syndrome; Hereditary neoplastic syndrome. Identifiers: Orphanet 140162, MedGen C0027672, MeSH D009386, MONDO:0015356.

Submissions (2):

Color Diagnostics, LLC DBA Color Health
Classification: Uncertain significance for Hereditary cancer-predisposing syndrome. Last evaluated: 2023-12-05. Review status: criteria provided, single submitter. Criteria: ACMG Guidelines, 2015. Collection method: clinical testing. Allele origin: germline.
Comment: This missense variant replaces aspartic acid with tyrosine at codon 777 of the BRCA2 protein. Computational prediction tools and conservation analyses are inconclusive regarding the impact of this variant on the protein function. Computational splicing tools suggest that this variant may not impact RNA splicing. To our knowledge, functional assays have not been performed for this variant nor has this variant been reported in individuals affected with hereditary cancer in the literature. This variant has not been identified in the general population by the Genome Aggregation Database (gnomAD). Available evidence is insufficient to determine the role of this variant in disease conclusively. Therefore, this variant is classified as a Variant of Uncertain Significance.

University of Washington Department of Laboratory Medicine, University of Washington
Classification: Likely benign for Hereditary cancer-predisposing syndrome. Last evaluated: 2023-03-23. Review status: criteria provided, single submitter. Criteria: Dines et al. (Genet Med. 2020). Collection method: curation. Allele origin: germline.
Comment: Missense variant in a coldspot region where missense variants are very unlikely to be pathogenic (PMID:31911673).

BRCA2 exon 11 coldspot. Reclassification based on statistical prior probability.

NM_000059.4(BRCA2):c.2329G>T (p.Asp777Tyr)

Gene: BRCA2 (BRCA2 DNA repair associated; plus strand). Cytogenetic location: 13q13.1.
Variant type: single nucleotide variant.
Coding change: c.2329G>T on transcript NM_000059.4 (MANE Select); coding-DNA position 2329, G replaced by T.
Protein change: p.Asp777Tyr; replaces aspartic acid 777 with tyrosine.
Molecular consequence: missense variant.
Genome position (GRCh38, 1-based): chr13:32,336,684, G>T. VCF-style: chr13-32336684-G-T. GRCh37 (hg19) VCF-style: chr13-32910821-G-T.
Other names: short protein forms D777Y.
Identifiers: ClinVar variation 923891 (VCV000923891.7), dbSNP rs2072455387, ClinGen allele CA387771525.
Genomic context (GRCh38, chr13:32,336,684, plus strand): 5'-AAAAGTCTTTTATATGATCATGAAAATGCCAGCACTCTTATTTTAACTCCTACTTCCAAG[G>T]ATGTTCTGTCAAACCTAGTCATGATTTCTAGAGGCAAAGAATCATACAAAATGTCAGACA-3'
Protein context (NP_000050.3, residues 767-787): STLILTPTSK[Asp777Tyr]VLSNLVMISR